The following is an entry in ClinVar:

NM_139318.5(KCNH5):c.323A>G (p.Tyr108Cys)

Gene: KCNH5 (potassium voltage-gated channel subfamily H member 5; minus strand). Cytogenetic location: 14q23.2.
Variant type: single nucleotide variant.
Coding change: c.323A>G on transcript NM_139318.5 (MANE Select); coding-DNA position 323, A replaced by G.
Protein change: p.Tyr108Cys; replaces tyrosine 108 with cysteine.
Molecular consequence: missense variant.
Genome position (GRCh38, 1-based): chr14:63,001,441, T>C on the plus strand (A>G on the coding strand, the complement: KCNH5 is on the minus strand). VCF-style: chr14-63001441-T-C. GRCh37 (hg19) VCF-style: chr14-63468159-T-C.
Other names: c.323A>G, p.Tyr108Cys (NM_172375.3); short protein forms Y108C.
Identifiers: ClinVar variation 835675 (VCV000835675.10), dbSNP rs1464940813, ClinGen allele CA390105198.
Genomic context (GRCh38, chr14:63,001,441, plus strand): 5'-AAAGTACACAGGAACAAGACCACCTTTTCATGTTCATTTCTTATTGGTGCAATTTGCATA[T>C]AAAACCAAACAGGGGTTCCTGTAACAGAAAGAAGTTGGGGAAAGGACATTAGAGTGTGGC-3'
Protein context (NP_647479.2, residues 98-118): YKKNRTPVWF[Tyr108Cys]MQIAPIRNEH

ClinVar aggregate classification (germline): Uncertain significance (1 of 4 stars; one submission).

Conditions:
Early-infantile DEE. Also called: Ohtahara syndrome; Early infantile epileptic encephalopathy with suppression bursts; Early infantile epileptic encephalopathy. Identifiers: Orphanet 1934, MedGen C0393706, MONDO:0800491.

gnomAD v4.1: 1 of 1,611,552 alleles (0.000062%); highest among the groups gnomAD compares: Non-Finnish European, 0.000085%; no homozygotes.

Submission:

Labcorp Genetics (formerly Invitae), Labcorp
Classification: Uncertain significance for Early-infantile DEE. Last evaluated: 2019-02-21. Review status: criteria provided, single submitter. Criteria: Invitae Variant Classification Sherloc (09022015). Collection method: clinical testing. Allele origin: germline.
Comment: In summary, the available evidence is currently insufficient to determine the role of this variant in disease. Therefore, it has been classified as a Variant of Uncertain Significance. Algorithms developed to predict the effect of missense changes on protein structure and function are either unavailable or do not agree on the potential impact of this missense change (SIFT: "Tolerated"; PolyPhen-2: "Probably Damaging"; Align-GVGD: "Class C0"). This variant has not been reported in the literature in individuals with KCNH5-related conditions. This variant is not present in population databases (ExAC no frequency). This sequence change replaces tyrosine with cysteine at codon 108 of the KCNH5 protein (p.Tyr108Cys). The tyrosine residue is moderately conserved and there is a large physicochemical difference between tyrosine and cysteine.